The following is an entry in ClinVar:

NM_000455.5(STK11):c.1175T>C (p.Met392Thr)

Gene: STK11 (serine/threonine kinase 11; plus strand). Cytogenetic location: 19p13.3.
Variant type: single nucleotide variant.
Coding change: c.1175T>C on transcript NM_000455.5 (MANE Select); coding-DNA position 1175, T replaced by C.
Protein change: p.Met392Thr; replaces methionine 392 with threonine.
Molecular consequence: missense variant.
Genome position (GRCh38, 1-based): chr19:1,226,520, T>C. VCF-style: chr19-1226520-T-C. GRCh37 (hg19) VCF-style: chr19-1226519-T-C.
Other names: short protein forms M392T.
Identifiers: ClinVar variation 234420 (VCV000234420.20), dbSNP rs876661013, ClinGen allele CA10577600.

ClinVar aggregate classification (germline): Conflicting classifications of pathogenicity. Review status: criteria provided, conflicting classifications (1 of 4 stars). 6 submissions from 6 submitters: Uncertain significance (4); Benign (1); Likely benign (1). Last evaluated 2025-07-14.

Conditions:
Hereditary cancer-predisposing syndrome. Also called: Tumor predisposition; Hereditary Cancer Syndrome; Hereditary neoplastic syndrome; Neoplastic Syndromes, Hereditary. Identifiers: Orphanet 140162, MedGen C0027672, MeSH D009386, MONDO:0015356.
Peutz-Jeghers syndrome (PJS). Also called: POLYPOSIS, HAMARTOMATOUS INTESTINAL; POLYPS-AND-SPOTS SYNDROME; Peutz-Jeghers polyposis; Periorificial lentiginosis syndrome. Identifiers: Orphanet 2869, MedGen C0031269, MeSH D010580, MONDO:0008280, OMIM 175200.

Allele frequency attached by ClinVar (database versions not stated): gnomAD exomes below 0.00001 and 0.00001; TOPMed below 0.00001.
gnomAD v4.1: 4 of 1,610,020 alleles (0.00025%); highest among the groups gnomAD compares: South Asian, 0.0033%; no homozygotes.

Submissions (6):

Color Diagnostics, LLC DBA Color Health
Classification: Likely benign for Hereditary cancer-predisposing syndrome. Last evaluated: 2025-07-14. Review status: criteria provided, single submitter. Criteria: ACMG Guidelines, 2015. Collection method: clinical testing. Allele origin: germline.

Labcorp Genetics (formerly Invitae), Labcorp
Classification: Uncertain significance for Peutz-Jeghers syndrome. Last evaluated: 2024-11-15. Review status: criteria provided, single submitter. Criteria: Invitae Variant Classification Sherloc (09022015). Collection method: clinical testing. Allele origin: germline.
Comment: This sequence change replaces methionine, which is neutral and non-polar, with threonine, which is neutral and polar, at codon 392 of the STK11 protein (p.Met392Thr). This variant is present in population databases (no rsID available, gnomAD 0.007%). This variant has not been reported in the literature in individuals affected with STK11-related conditions. ClinVar contains an entry for this variant (Variation ID: 234420). Invitae Evidence Modeling of protein sequence and biophysical properties (such as structural, functional, and spatial information, amino acid conservation, physicochemical variation, residue mobility, and thermodynamic stability) indicates that this missense variant is not expected to disrupt STK11 protein function with a negative predictive value of 95%. In summary, the available evidence is currently insufficient to determine the role of this variant in disease. Therefore, it has been classified as a Variant of Uncertain Significance.

Ambry Genetics
Classification: Benign for Hereditary cancer-predisposing syndrome. Last evaluated: 2024-08-09. Review status: criteria provided, single submitter. Criteria: Ambry Variant Classification Scheme 2023. Collection method: clinical testing. Allele origin: germline.

Women's Health and Genetics/Laboratory Corporation of America, LabCorp
Classification: Uncertain significance. Last evaluated: 2023-11-17. Review status: criteria provided, single submitter. Criteria: LabCorp Variant Classification Summary - May 2015. Collection method: clinical testing. Allele origin: germline.
Comment: Variant summary: STK11 c.1175T>C (p.Met392Thr) results in a non-conservative amino acid change in the encoded protein sequence. Three of five in-silico tools predict a benign effect of the variant on protein function. The variant allele was found at a frequency of 8.4e-06 in 238824 control chromosomes. The available data on variant occurrences in the general population are insufficient to allow any conclusion about variant significance. To our knowledge, no occurrence of c.1175T>C in individuals affected with Peutz-Jeghers Syndrome and no experimental evidence demonstrating its impact on protein function have been reported. The following publications have been ascertained in the context of this evaluation (PMID: 30287823, 36243179). Five submitters have cited clinical-significance assessments for this variant to ClinVar after 2014. All submitters classified the variant as uncertain significance. Based on the evidence outlined above, the variant was classified as uncertain significance.

Genome-Nilou Lab
Classification: Uncertain significance for Peutz-Jeghers syndrome. Last evaluated: 2021-07-15. Review status: criteria provided, single submitter. Criteria: ACMG Guidelines, 2015. Collection method: clinical testing. Allele origin: germline. Affected: no.

GeneDx
Classification: Uncertain significance. Last evaluated: 2015-11-03. Review status: criteria provided, single submitter. Criteria: GeneDx Variant Classification (06012015). Collection method: clinical testing. Allele origin: germline. Affected: yes.
Comment: This variant is denoted STK11 c.1175T>C at the cDNA level, p.Met392Thr (M392T) at the protein level, and results in the change of a Methionine to a Threonine (ATG>ACG). This variant has not, to our knowledge, been published in the literature as either a pathogenic or benign variant. STK11 Met392Thr was not observed in approximately 6,500 individuals of European and African American ancestry in the NHLBI Exome Sequencing Project, indicating it is not a common benign variant in these populations. Since Methionine and Threonine differ in polarity, charge, size or other properties, this is considered a non-conservative amino acid substitution. STK11 Met392Thr occurs at a position where amino acids with properties simliar to Methionine are tolerated across species and is located in a region required for binding of substrates and initiation of phosphotransfer (Hearle 2006). In silico analyses are inconsistent regarding the effect this variant may have on protein structure and function. Based on currently available information, it is unclear whether STK11 Met392Thr is a pathogenic mutation or a benign variant. We consider it to be a variant of uncertain significance.

Literature cited by the submitters: PubMed 30287823 (cited by Ambry Genetics and Women's Health and Genetics/Laboratory Corporation of America, LabCorp); PubMed 36243179 (cited by Women's Health and Genetics/Laboratory Corporation of America, LabCorp).